The following is an entry in ClinVar:

ClinVar aggregate classification (germline): Uncertain significance (1 of 4 stars; one submission).

Conditions:
Inborn genetic diseases. Identifiers: MedGen C0950123, MeSH D030342.

gnomAD v4.1: 1 of 1,614,008 alleles (0.000062%); no homozygotes.

Submission:

Ambry Genetics
Classification: Uncertain significance for Inborn genetic diseases. Last evaluated: 2024-12-15. Review status: criteria provided, single submitter. Criteria: Ambry Variant Classification Scheme 2023. Collection method: clinical testing. Allele origin: germline.
Comment: The p.L1165F variant (also known as c.3495A>C), located in coding exon 35 of the FANCA gene, results from an A to C substitution at nucleotide position 3495. The leucine at codon 1165 is replaced by phenylalanine, an amino acid with highly similar properties. This amino acid position is conserved. In addition, this alteration is predicted to be tolerated by in silico analysis. Based on the available evidence, the clinical significance of this variant remains unclear.

NM_000135.4(FANCA):c.3495A>C (p.Leu1165Phe)

Gene: FANCA (FA complementation group A; minus strand). Cytogenetic location: 16q24.3.
Variant type: single nucleotide variant.
Coding change: c.3495A>C on transcript NM_000135.4 (MANE Select); coding-DNA position 3495, A replaced by C.
Protein change: p.Leu1165Phe; replaces leucine 1165 with phenylalanine.
Molecular consequence: missense variant.
Genome position (GRCh38, 1-based): chr16:89,746,602, T>G on the plus strand (A>C on the coding strand, the complement: FANCA is on the minus strand). VCF-style: chr16-89746602-T-G. GRCh37 (hg19) VCF-style: chr16-89813010-T-G.
Other names: c.3495A>C, p.Leu1165Phe (NM_001286167.3); short protein forms L1165F.
Identifiers: ClinVar variation 3848026 (VCV003848026.1).